The following is an entry in ClinVar:

ClinVar aggregate classification (germline): Uncertain significance. Review status: criteria provided, multiple submitters, no conflicts (2 of 4 stars). 2 submissions from 2 submitters: Uncertain significance (2). Last evaluated 2025-08-04.

Conditions:
Inborn genetic diseases. Identifiers: MedGen C0950123, MeSH D030342.

gnomAD v4.1: 5 of 1,613,794 alleles (0.00031%); highest among the groups gnomAD compares: Admixed American, 0.0033%; no homozygotes.

Submissions (2):

Ambry Genetics
Classification: Uncertain significance for Inborn genetic diseases. Last evaluated: 2025-08-04. Review status: criteria provided, single submitter. Criteria: Ambry Variant Classification Scheme 2023. Collection method: clinical testing. Allele origin: germline.

GeneDx
Classification: Uncertain significance. Last evaluated: 2024-01-04. Review status: criteria provided, single submitter. Criteria: GeneDx Variant Classification Process June 2021. Collection method: clinical testing. Allele origin: germline. Affected: yes.
Comment: Not observed at significant frequency in large population cohorts (gnomAD); In silico analysis supports that this missense variant has a deleterious effect on protein structure/function; Has not been previously published as pathogenic or benign to our knowledge; In silico analysis suggests this variant may impact gene splicing. In the absence of RNA/functional studies, the actual effect of this sequence change is unknown.

NM_001457.4(FLNB):c.2576G>A (p.Gly859Asp)

Gene: FLNB (filamin B; plus strand). Cytogenetic location: 3p14.3.
Variant type: single nucleotide variant.
Coding change: c.2576G>A on transcript NM_001457.4 (MANE Select); coding-DNA position 2576, G replaced by A.
Protein change: p.Gly859Asp; replaces glycine 859 with aspartic acid.
Molecular consequence: missense variant.
Genome position (GRCh38, 1-based): chr3:58,112,149, G>A. VCF-style: chr3-58112149-G-A. GRCh37 (hg19) VCF-style: chr3-58097876-G-A.
Other names: c.2576G>A, p.Gly859Asp (NM_001164317.2, NM_001164318.2, NM_001164319.2); short protein forms G859D.
Identifiers: ClinVar variation 3367517 (VCV003367517.2).